The following is an entry in ClinVar:

ClinVar aggregate classification (germline): Pathogenic. Review status: criteria provided, multiple submitters, no conflicts (2 of 4 stars). 2 submissions from 2 submitters: Pathogenic (2). Last evaluated 2024-10-02.
ClinVar aggregate classification (somatic clinical impact): Tier I - Strong (1 of 4 stars; one submission).

Conditions:
Rhabdoid tumor predisposition syndrome 1 (RTPS1). Also called: Familial Posterior Fossa Brain Tumor of Infancy. Identifiers: Orphanet 231108, Orphanet 69077, MedGen C1836327, MONDO:0012252, OMIM 609322.
Atypical teratoid rhabdoid tumor. Also called: Atypical teratoid/rhabdoid tumor. Identifiers: Orphanet 99966, MedGen C1266184, MONDO:0020560, HP:0034401.

Submissions (3):

St. Jude Molecular Pathology, St. Jude Children's Research Hospital
Classification: Pathogenic for Rhabdoid tumor predisposition syndrome 1. Last evaluated: 2024-10-02. Review status: criteria provided, single submitter. Criteria: St. Jude Assertion Criteria 2020. Collection method: clinical testing. Allele origin: germline. Affected: yes.
Comment: The SMARCB1 c.1148del (p.Pro383ArgfsTer100) change deletes one nucleotide to cause a frameshift. This variant occurs at the 3' terminus of the SMARCB1 gene and is expected to result in the elongation of the native protein by replacing the last 3 amino acids with 99 different amino acids. This variant has been reported in atypical teratoid rhabdoid tumors and other SMARCB1-deficient tumors (PMID: 26391213, 37017066, internal data). This variant is also absent in gnomAD v2.1.1. In summary, this variant meets criteria to be classified as pathogenic.

Institute for Genomic Medicine (IGM) Clinical Laboratory, Nationwide Children's Hospital
Classification: Tier I - Strong for Atypical teratoid rhabdoid tumor. Assertion type: diagnostic. Clinical significance: supports diagnosis. Last evaluated: 2023-01-30. Review status: criteria provided, single submitter. Criteria: AMP/ASCO/CAP Guidelines, 2017. Collection method: clinical testing. Allele origin: somatic. Affected: yes.
Comment: Variant has Tier I (strong) clinical significance as a diagnostic inclusion criterion in atypical teratoid rhabdoid tumor, based on the following evidence: 1) Documented in one or more cancer databases (e.g., St. Jude Pecan, COSMIC, CIViC, OncoKB). 2) Appears in one or more well-established professional guidelines (e.g., World Health Organization [WHO]; National Comprehensive Cancer Network [NCCN]) as providing diagnostic, prognostic, or therapeutic information. 3) Information in the literature supports potential biologic effect of variant (PMID: 28676785). 4) Diagnostic for a specific tumor type/classification according to professional guidelines (Evidence Level A; PMIDs: 22797305, 9892189, 9671307, 26923874, 23074045).

Labcorp Genetics (formerly Invitae), Labcorp
Classification: Pathogenic. Last evaluated: 2021-11-12. Review status: criteria provided, single submitter. Criteria: Invitae Variant Classification Sherloc (09022015). Collection method: clinical testing. Allele origin: germline.
Comment: This frameshift has been observed in individual(s) with clinical features of SMARCB1-related conditions (Invitae). In at least one individual the variant was observed to be de novo. For these reasons, this variant has been classified as Pathogenic. This variant is not present in population databases (gnomAD no frequency). This sequence change results in a frameshift in the SMARCB1 gene (p.Pro383Argfs*100). While this is not anticipated to result in nonsense mediated decay, it is expected to disrupt the last 3 amino acid(s) of the SMARCB1 protein and extend the protein by 96 additional amino acid residues.

Literature cited by the submitters: PubMed 28676785 (cited by Institute for Genomic Medicine (IGM) Clinical Laboratory, Nationwide Children's Hospital); PubMed 22797305 (cited by Institute for Genomic Medicine (IGM) Clinical Laboratory, Nationwide Children's Hospital); PubMed 9892189 (cited by Institute for Genomic Medicine (IGM) Clinical Laboratory, Nationwide Children's Hospital); PubMed 9671307 (cited by Institute for Genomic Medicine (IGM) Clinical Laboratory, Nationwide Children's Hospital); PubMed 26923874 (cited by Institute for Genomic Medicine (IGM) Clinical Laboratory, Nationwide Children's Hospital); PubMed 23074045 (cited by Institute for Genomic Medicine (IGM) Clinical Laboratory, Nationwide Children's Hospital).

NM_003073.5(SMARCB1):c.1148del (p.Pro383fs)

Gene: SMARCB1 (SWI/SNF related BAF chromatin remodeling complex subunit B1; plus strand). Cytogenetic location: 22q11.23.
Variant type: Deletion.
Coding change: c.1148del on transcript NM_003073.5 (MANE Select); coding-DNA position 1148, one base deleted (C; older notation c.1148delC).
Protein change: p.Pro383fs; shifts the reading frame from proline 383.
Molecular consequence: frameshift variant.
Genome position (GRCh38, 1-based): chr22:23,834,170, C deleted; the last of 4 consecutive C bases (chr22:23,834,167-23,834,170); deleting any one gives the same sequence. VCF-style (leftmost placement, unchanged base first): chr22-23834166-GC-G. GRCh37 (hg19) VCF-style: chr22-24176353-GC-G.
Other names: c.1121del, p.Pro374fs (NM_001007468.3); c.1175del, p.Pro392fs (NM_001317946.2); c.1202del, p.Pro401fs (NM_001362877.2); short protein forms P374fs, P383fs, P401fs, P392fs.
Identifiers: ClinVar variation 1416806 (VCV001416806.8), dbSNP rs2146045204, ClinGen allele CA513739894.